The following is an entry in ClinVar:

NM_020937.4(FANCM):c.4924A>G (p.Lys1642Glu)

Gene: FANCM (FA complementation group M; plus strand). Cytogenetic location: 14q21.2.
Variant type: single nucleotide variant.
Coding change: c.4924A>G on transcript NM_020937.4 (MANE Select); coding-DNA position 4924, A replaced by G.
Protein change: p.Lys1642Glu; replaces lysine 1642 with glutamic acid.
Molecular consequence: missense variant.
Genome position (GRCh38, 1-based): chr14:45,188,946, A>G. VCF-style: chr14-45188946-A-G. GRCh37 (hg19) VCF-style: chr14-45658149-A-G.
Other names: c.4846A>G, p.Lys1616Glu (NM_001308133.2); short protein forms K1616E, K1642E.
Identifiers: ClinVar variation 4254648 (VCV004254648.1).
Genomic context (GRCh38, chr14:45,188,946, plus strand): 5'-GAAGTTTGTGTTGATTTTAACTTAATAACTGATGATTGCTTTGCAAATAGTAAAAAGTAT[A>G]AAACTCGACGTGCAGTAATGCTAAAAGAAATGATGGAACAAAATTGTGCACATTCAAAAA-3'
Protein context (NP_065988.1, residues 1632-1652): DDCFANSKKY[Lys1642Glu]TRRAVMLKEM

ClinVar aggregate classification (germline): Uncertain significance (1 of 4 stars; one submission).

Conditions:
Inborn genetic diseases. Identifiers: MedGen C0950123, MeSH D030342.

gnomAD v4.1: 3 of 1,613,940 alleles (0.00019%); highest among the groups gnomAD compares: South Asian, 0.0033%; no homozygotes.

Submission:

Ambry Genetics
Classification: Uncertain significance for Inborn genetic diseases. Last evaluated: 2025-08-02. Review status: criteria provided, single submitter. Criteria: Ambry Variant Classification Scheme 2023. Collection method: clinical testing. Allele origin: germline.
Comment: The p.K1642E variant (also known as c.4924A>G), located in coding exon 20 of the FANCM gene, results from an A to G substitution at nucleotide position 4924. The lysine at codon 1642 is replaced by glutamic acid, an amino acid with similar properties. This amino acid position is conserved. In addition, this alteration is predicted to be tolerated by in silico analysis. Based on the available evidence, the clinical significance of this variant remains unclear.